The following is an entry in ClinVar:

ClinVar aggregate classification (germline): Uncertain significance (1 of 4 stars; one submission).

Allele frequency attached by ClinVar (database versions not stated): 1000 Genomes Project 0.00020; gnomAD exomes below 0.00001; gnomAD 0.00001; TOPMed 0.00001; ExAC 0.00001; 1000 Genomes Project 30x 0.00031.

Submission:

Labcorp Genetics (formerly Invitae), Labcorp
Classification: Uncertain significance. Last evaluated: 2022-09-27. Review status: criteria provided, single submitter. Criteria: Invitae Variant Classification Sherloc (09022015). Collection method: clinical testing. Allele origin: germline.
Comment: This sequence change replaces histidine, which is basic and polar, with leucine, which is neutral and non-polar, at codon 94 of the SLC45A2 protein (p.His94Leu). This variant is present in population databases (rs573922051, gnomAD 0.003%). This variant has not been reported in the literature in individuals affected with SLC45A2-related conditions. ClinVar contains an entry for this variant (Variation ID: 1468025). Advanced modeling of protein sequence and biophysical properties (such as structural, functional, and spatial information, amino acid conservation, physicochemical variation, residue mobility, and thermodynamic stability) performed at Invitae indicates that this missense variant is not expected to disrupt SLC45A2 protein function. In summary, the available evidence is currently insufficient to determine the role of this variant in disease. Therefore, it has been classified as a Variant of Uncertain Significance.

NM_016180.5(SLC45A2):c.281A>T (p.His94Leu)

Gene: SLC45A2 (solute carrier family 45 member 2; minus strand). Cytogenetic location: 5p13.2.
Variant type: single nucleotide variant.
Coding change: c.281A>T on transcript NM_016180.5 (MANE Select); coding-DNA position 281, A replaced by T.
Protein change: p.His94Leu; replaces histidine 94 with leucine.
Molecular consequence: missense variant.
Genome position (GRCh38, 1-based): chr5:33,984,303, T>A on the plus strand (A>T on the coding strand, the complement: SLC45A2 is on the minus strand). VCF-style: chr5-33984303-T-A. GRCh37 (hg19) VCF-style: chr5-33984408-T-A.
Other names: c.281A>T, p.His94Leu (NM_001012509.4, NM_001297417.4); short protein forms H94L.
Identifiers: ClinVar variation 1468025 (VCV001468025.3), dbSNP rs573922051, ClinGen allele CA3225834.
Genomic context (GRCh38, chr5:33,984,303, plus strand): 5'-AGCATCATGACTCCCAGGGTGAGGATGTAGGGTCTCCGGCGGCCCCACCTGGACCGGCAG[T>A]GGTCGCTGGCCGATCCGACCACGGGCTGCAGCAGGAATCCCAGGATGGGGCTGAGGAACC-3'
Protein context (NP_057264.4, residues 84-104): LQPVVGSASD[His94Leu]CRSRWGRRRP